The following is an entry in ClinVar:

NM_001170629.2(CHD8):c.7079G>A (p.Arg2360His)

Gene: CHD8 (chromodomain helicase DNA binding protein 8; minus strand). Cytogenetic location: 14q11.2.
Variant type: single nucleotide variant.
Coding change: c.7079G>A on transcript NM_001170629.2 (MANE Select); coding-DNA position 7079, G replaced by A.
Protein change: p.Arg2360His; replaces arginine 2360 with histidine.
Molecular consequence: missense variant.
Genome position (GRCh38, 1-based): chr14:21,391,050, C>T on the plus strand (G>A on the coding strand, the complement: CHD8 is on the minus strand). VCF-style: chr14-21391050-C-T. GRCh37 (hg19) VCF-style: chr14-21859209-C-T.
Other names: c.6242G>A, p.Arg2081His (NM_020920.4); short protein forms R2081H, R2360H.
Identifiers: ClinVar variation 1030270 (VCV001030270.1), dbSNP rs1887513652, ClinGen allele CA388876937.

ClinVar aggregate classification (germline): Uncertain significance (1 of 4 stars; one submission).

Conditions:
Intellectual developmental disorder with autism and macrocephaly. Also called: CHD8-Related Neurodevelopmental Disorder with Overgrowth; Autism, susceptibility to, 18. Identifiers: Orphanet 642675, MedGen C3554373, MONDO:0014017, OMIM 615032.

Allele frequency attached by ClinVar (database versions not stated): gnomAD exomes below 0.00001; TOPMed below 0.00001; gnomAD 0.00001.
gnomAD v4.1: 6 of 1,578,762 alleles (0.00038%); highest among the groups gnomAD compares: East Asian, 0.0023%; no homozygotes.

Submission:

Baylor Genetics
Classification: Uncertain significance for Intellectual developmental disorder with autism and macrocephaly. Last evaluated: 2020-02-05. Review status: criteria provided, single submitter. Criteria: ACMG Guidelines, 2015. Collection method: clinical testing. Allele origin: unknown. Affected: yes.
Comment: This variant was determined to be of uncertain significance according to ACMG Guidelines, 2015 [PMID:25741868].